The following is an entry in ClinVar:

NM_001365480.1(CCDC88A):c.2980C>T (p.Arg994Cys)

Gene: CCDC88A (coiled-coil and HOOK domain protein 88A; minus strand). Cytogenetic location: 2p16.1.
Variant type: single nucleotide variant.
Coding change: c.2980C>T on transcript NM_001365480.1 (MANE Select); coding-DNA position 2980, C replaced by T.
Protein change: p.Arg994Cys; replaces arginine 994 with cysteine.
Molecular consequence: missense variant.
Genome position (GRCh38, 1-based): chr2:55,328,311, G>A on the plus strand (C>T on the coding strand, the complement: CCDC88A is on the minus strand). VCF-style: chr2-55328311-G-A. GRCh37 (hg19) VCF-style: chr2-55555447-G-A.
Other names: c.2977C>T, p.Arg993Cys (NM_001135597.2, NM_001254943.2); c.2980C>T, p.Arg994Cys (NM_018084.5); short protein forms R994C, R993C.
Identifiers: ClinVar variation 2867778 (VCV002867778.3), dbSNP rs745518858, ClinGen allele CA1665884.
Genomic context (GRCh38, chr2:55,328,311, plus strand): 5'-ATAATAAATGATCCTTAAAATTCTTTCCAAGAAAATCACTTACTGTTTTAAGTTCTTGGC[G>A]CAATTGCTGGTTATAATTCGTGGATTCTTCTAATCGAGCTTCTAAAGCAGCAATTTTTTC-3'
Protein context (NP_001352409.1, residues 984-1004): EESTNYNQQL[Arg994Cys]QELKTVKKNY

ClinVar aggregate classification (germline): Uncertain significance (1 of 4 stars; one submission).

Allele frequency attached by ClinVar (database versions not stated): ExAC 0.00001; gnomAD exomes 0.00001; TOPMed 0.00002.
gnomAD v4.1: 14 of 1,589,760 alleles (0.00088%); highest among the groups gnomAD compares: Non-Finnish European, 0.0011%; no homozygotes.

Submission:

Labcorp Genetics (formerly Invitae), Labcorp
Classification: Uncertain significance. Last evaluated: 2023-04-28. Review status: criteria provided, single submitter. Criteria: Invitae Variant Classification Sherloc (09022015). Collection method: clinical testing. Allele origin: germline.
Comment: In summary, the available evidence is currently insufficient to determine the role of this variant in disease. Therefore, it has been classified as a Variant of Uncertain Significance. An algorithm developed to predict the effect of missense changes on protein structure and function (PolyPhen-2) suggests that this variant is likely to be disruptive. This variant has not been reported in the literature in individuals affected with CCDC88A-related conditions. This variant is not present in population databases (gnomAD no frequency). This sequence change replaces arginine, which is basic and polar, with cysteine, which is neutral and slightly polar, at codon 993 of the CCDC88A protein (p.Arg993Cys).